The following is an entry in ClinVar:

NM_001323289.2(CDKL5):c.2533C>T (p.Leu845Phe)

Gene: CDKL5 (cyclin dependent kinase like 5; plus strand). Cytogenetic location: Xp22.13.
Variant type: single nucleotide variant.
Coding change: c.2533C>T on transcript NM_001323289.2 (MANE Select); coding-DNA position 2533, C replaced by T.
Protein change: p.Leu845Phe; replaces leucine 845 with phenylalanine.
Molecular consequence: missense variant.
Genome position (GRCh38, 1-based): chrX:18,628,407, C>T. VCF-style: chrX-18628407-C-T. GRCh37 (hg19) VCF-style: chrX-18646527-C-T.
Other names: c.2533C>T, p.Leu845Phe (NM_001037343.2, NM_003159.3); short protein forms L845F.
Identifiers: ClinVar variation 3252238 (VCV003252238.2), dbSNP rs2518898643.

ClinVar aggregate classification (germline): Uncertain significance (1 of 4 stars; one submission).

Submission:

GeneDx
Classification: Uncertain significance. Last evaluated: 2026-02-26. Review status: criteria provided, single submitter. Criteria: GeneDx Variant Classification Process June 2021. Collection method: clinical testing. Allele origin: germline.
Comment: Not observed at significant frequency in large population cohorts (gnomAD); In silico analysis suggests that this missense variant does not alter protein structure/function; Has not been previously published as pathogenic or benign to our knowledge; This variant is associated with the following publications: (PMID: 22779007)